The following is an entry in ClinVar:

NM_078480.3(PUF60):c.1009-4G>A

Gene: PUF60 (poly(U) binding splicing factor 60; minus strand). Cytogenetic location: 8q24.3.
Variant type: single nucleotide variant.
Coding change: c.1009-4G>A on transcript NM_078480.3 (MANE Select); 4 bases into the intron before coding-DNA position 1009, G replaced by A.
Molecular consequence: intron variant.
Genome position (GRCh38, 1-based): chr8:143,817,470, C>T on the plus strand (G>A on the coding strand, the complement: PUF60 is on the minus strand). VCF-style: chr8-143817470-C-T. GRCh37 (hg19) VCF-style: chr8-144899640-C-T.
Other names: c.871-4G>A (NM_001271097.2); c.922-4G>A (NM_001271099.2); c.955-4G>A (NM_001271096.2); c.1006-4G>A (NM_001271098.2); c.958-4G>A (NM_014281.5); c.829-4G>A (NM_001271100.2); c.880-4G>A (NM_001136033.3); c.1069-4G>A (NM_001362897.2); and 1 more.
Identifiers: ClinVar variation 4823483 (VCV004823483.4).
Genomic context (GRCh38, chr8:143,817,470, plus strand): 5'-GGACACCAGTCCAGGTGTGCCCAGGGTACCCAGCACCGCTGCTCCGGCCACTGCTTCCTG[C>T]AACCCAAAAGGTCACCGTGCTCAGTCCCTGGTCTGGCTACTCAAGACCACCTTGAATCAG-3'

ClinVar aggregate classification (germline): Uncertain significance (1 of 4 stars; one submission).

Submission:

CeGaT Center for Human Genetics Tuebingen
Classification: Uncertain significance. Last evaluated: 2026-03-01. Review status: criteria provided, single submitter. Criteria: CeGaT Center For Human Genetics Tuebingen Variant Classification Criteria Version 2. Collection method: clinical testing. Allele origin: germline. Affected: yes. Observed: 1 variant allele.
Comment: PUF60: PM2, BP4